The following is an entry in ClinVar:

NM_001271.4(CHD2):c.5071C>T (p.Pro1691Ser)

Gene: CHD2 (chromodomain helicase DNA binding protein 2; plus strand). Cytogenetic location: 15q26.1.
Variant type: single nucleotide variant.
Coding change: c.5071C>T on transcript NM_001271.4 (MANE Select); coding-DNA position 5071, C replaced by T.
Protein change: p.Pro1691Ser; replaces proline 1691 with serine.
Molecular consequence: missense variant.
Genome position (GRCh38, 1-based): chr15:93,020,176, C>T. VCF-style: chr15-93020176-C-T. GRCh37 (hg19) VCF-style: chr15-93563406-C-T.
Other names: short protein forms P1691S.
Identifiers: ClinVar variation 855780 (VCV000855780.12), dbSNP rs754463281, ClinGen allele CA393907828.
Genomic context (GRCh38, chr15:93,020,176, plus strand): 5'-AAGGACCACCATTATGGGGACCGGCGACATATGGATGCCCACCGTTCCGGAAGCTATCGA[C>T]CCAACAACATGTCCAGAAAGAGGCCTTATGACCAGTACAGCAGTGACCGAGACCACCGGG-3'
Protein context (NP_001262.3, residues 1681-1701): MDAHRSGSYR[Pro1691Ser]NNMSRKRPYD

ClinVar aggregate classification (germline): Uncertain significance. Review status: criteria provided, multiple submitters, no conflicts (2 of 4 stars). 3 submissions from 3 submitters: Uncertain significance (2). 1 of the submissions does not count toward it. Last evaluated 2024-11-07.

Conditions:
CHD2-related disorder. Also called: CHD2-related condition.
Developmental and epileptic encephalopathy 94 (DEE94). Also called: Epileptic encephalopathy, childhood-onset; CHD2-Related Neurodevelopmental Disorders. Identifiers: Orphanet 1942, Orphanet 2382, MedGen C3809278, MONDO:0014150, OMIM 615369.

gnomAD v4.1: 3 of 1,614,104 alleles (0.00019%); highest among the groups gnomAD compares: South Asian, 0.0011%; no homozygotes.

Submissions (3):

Labcorp Genetics (formerly Invitae), Labcorp
Classification: Uncertain significance for Developmental and epileptic encephalopathy 94. Last evaluated: 2024-11-07. Review status: criteria provided, single submitter. Criteria: Invitae Variant Classification Sherloc (09022015). Collection method: clinical testing. Allele origin: germline.
Comment: This sequence change replaces proline, which is neutral and non-polar, with serine, which is neutral and polar, at codon 1691 of the CHD2 protein (p.Pro1691Ser). This variant is not present in population databases (gnomAD no frequency). This variant has not been reported in the literature in individuals affected with CHD2-related conditions. ClinVar contains an entry for this variant (Variation ID: 855780). Invitae Evidence Modeling of protein sequence and biophysical properties (such as structural, functional, and spatial information, amino acid conservation, physicochemical variation, residue mobility, and thermodynamic stability) indicates that this missense variant is not expected to disrupt CHD2 protein function with a negative predictive value of 95%. In summary, the available evidence is currently insufficient to determine the role of this variant in disease. Therefore, it has been classified as a Variant of Uncertain Significance.

Neuberg Centre For Genomic Medicine, NCGM
Classification: Uncertain significance for Developmental and epileptic encephalopathy 94. Review status: criteria provided, single submitter. Criteria: ACMG Guidelines, 2015. Collection method: clinical testing. Allele origin: germline. Inheritance: Autosomal dominant inheritance. Affected: yes.
Comment: The missense variant c.5071C>T(p.Pro1691Ser) in CHD2 gene has been submitted to ClinVar as a Variant of Uncertain Significance, but no details are available for independent assessment. It has not been reported in affected individuals. The p.Pro1691Ser variant is novel (not in any individuals) in gnomAD Exomes and 1000 Genomes. The amino acid Pro at position 1691 is changed to a Ser changing protein sequence and it might alter its composition and physico-chemical properties. This variant has not been reported to the ClinVar database. In silico tools predict the variant to be tolerated. The residue is conserved across species. The amino acid change p.Pro1691Ser in CHD2 is predicted as conserved by GERP++ and PhyloP across 100 vertebrates. For these reasons, this variant has been classified as Variant of Uncertain Significance.

PreventionGenetics, part of Exact Sciences
Classification: Uncertain significance for CHD2-related condition. Last evaluated: 2024-03-30. Review status: no assertion criteria provided. Collection method: clinical testing. Allele origin: germline. Not counted in ClinVar's aggregate classification.
Comment: The CHD2 c.5071C>T variant is predicted to result in the amino acid substitution p.Pro1691Ser. To our knowledge, this variant has not been reported in the literature or in a large population database , indicating this variant is rare. At this time, the clinical significance of this variant is uncertain due to the absence of conclusive functional and genetic evidence.